The following is an entry in ClinVar:

ClinVar aggregate classification (germline): Uncertain significance. Review status: criteria provided, multiple submitters, no conflicts (2 of 4 stars). 6 submissions from 6 submitters: Uncertain significance (6). Last evaluated 2025-10-28.

Conditions:
Hereditary breast ovarian cancer syndrome. Also called: BRCA1- and BRCA2-Associated Hereditary Breast and Ovarian Cancer; Hereditary breast and ovarian cancer syndrome (HBOC); Hereditary breast and ovarian cancer syndrome; Breast and ovarian cancer; Hereditary breast and ovarian cancer; Hereditary breast and/or ovarian cancer syndrome. Identifiers: Orphanet 145, MedGen C0677776, MeSH D061325, MONDO:0003582. Disease mechanism: loss of function.
Hereditary cancer-predisposing syndrome. Also called: Hereditary Cancer Syndrome; Hereditary neoplastic syndrome; Neoplastic Syndromes, Hereditary; Tumor predisposition. Identifiers: Orphanet 140162, MedGen C0027672, MeSH D009386, MONDO:0015356.
Breast-ovarian cancer, familial, susceptibility to, 1 (BROVCA1). Also called: OVARIAN CANCER, SUSCEPTIBILITY TO; BRCA1 Hereditary Breast and Ovarian Cancer. Identifiers: Orphanet 145, MedGen C2676676, MONDO:0011450, OMIM 604370. Disease mechanism: loss of function.

Allele frequency attached by ClinVar (database versions not stated): TOPMed below 0.00001; gnomAD 0.00001.
gnomAD v4.1: 2 of 1,614,070 alleles (0.00012%); highest among the groups gnomAD compares: East Asian, 0.0022%; no homozygotes.

Submissions (6):

Labcorp Genetics (formerly Invitae), Labcorp
Classification: Uncertain significance for Hereditary breast ovarian cancer syndrome. Last evaluated: 2025-10-28. Review status: criteria provided, single submitter. Criteria: Invitae Variant Classification Sherloc (09022015). Collection method: clinical testing. Allele origin: germline.
Comment: This sequence change replaces glutamic acid, which is acidic and polar, with lysine, which is basic and polar, at codon 1413 of the BRCA1 protein (p.Glu1413Lys). This variant is not present in population databases (gnomAD no frequency). This variant has not been reported in the literature in individuals affected with BRCA1-related conditions. ClinVar contains an entry for this variant (Variation ID: 824708). Invitae Evidence Modeling of protein sequence and biophysical properties (such as structural, functional, and spatial information, amino acid conservation, physicochemical variation, residue mobility, and thermodynamic stability) indicates that this missense variant is not expected to disrupt BRCA1 protein function with a negative predictive value of 80%. In summary, the available evidence is currently insufficient to determine the role of this variant in disease. Therefore, it has been classified as a Variant of Uncertain Significance.

Color Diagnostics, LLC DBA Color Health
Classification: Uncertain significance for Hereditary cancer-predisposing syndrome. Last evaluated: 2025-07-08. Review status: criteria provided, single submitter. Criteria: ACMG Guidelines, 2015. Collection method: clinical testing. Allele origin: germline.
Comment: This missense variant replaces glutamic acid with lysine at codon 1413 of the BRCA1 protein. Computational prediction suggests that this variant may not impact protein structure and function. To our knowledge, functional studies have not been reported for this variant. This variant has been detected in a breast cancer case-control meta-analysis in 0/60466 cases and 1/53461 unaffected individuals (PMID: 33471991Leiden Open Variation Database DB-ID BRCA1_006258). This variant has not been identified in the general population by the Genome Aggregation Database (gnomAD). The available evidence is insufficient to determine the role of this variant in disease conclusively. Therefore, this variant is classified as a Variant of Uncertain Significance.

Women's Health and Genetics/Laboratory Corporation of America, LabCorp
Classification: Uncertain significance. Last evaluated: 2025-05-30. Review status: criteria provided, single submitter. Criteria: LabCorp Variant Classification Summary - May 2015. Collection method: clinical testing. Allele origin: germline.
Comment: Variant summary: BRCA1 c.4237G>A (p.Glu1413Lys) results in a conservative amino acid change in the encoded protein sequence. Algorithms developed to predict the effect of missense changes on protein structure and function all suggest that this variant is likely to be tolerated. The variant was absent in 251420 control chromosomes. The available data on variant occurrences in the general population are insufficient to allow any conclusion about variant significance. To our knowledge, no occurrence of c.4237G>A in individuals affected with Hereditary Breast And Ovarian Cancer Syndrome and no experimental evidence demonstrating its impact on protein function have been reported. ClinVar contains an entry for this variant (Variation ID: 824708). Based on the evidence outlined above, the variant was classified as uncertain significance.

Ambry Genetics
Classification: Uncertain significance for Hereditary cancer-predisposing syndrome. Last evaluated: 2024-11-22. Review status: criteria provided, single submitter. Criteria: Ambry Variant Classification Scheme 2023. Collection method: clinical testing. Allele origin: germline.
Comment: The p.E1413K variant (also known as c.4237G>A), located in coding exon 11 of the BRCA1 gene, results from a G to A substitution at nucleotide position 4237. The glutamic acid at codon 1413 is replaced by lysine, an amino acid with similar properties. This amino acid position is poorly conserved in available vertebrate species. In addition, the in silico prediction for this alteration is inconclusive. Since supporting evidence is limited at this time, the clinical significance of this alteration remains unclear.

GeneDx
Classification: Uncertain significance. Last evaluated: 2023-08-07. Review status: criteria provided, single submitter. Criteria: GeneDx Variant Classification Process June 2021. Collection method: clinical testing. Allele origin: germline. Affected: yes.
Comment: Not observed at significant frequency in large population cohorts (gnomAD); In silico analysis supports that this missense variant does not alter protein structure/function; Has not been previously published as pathogenic or benign to our knowledge; Also known as 4356G>A; This variant is associated with the following publications: (PMID: 15343273, 19369211, 22737296, 32377563)

All of Us Research Program, National Institutes of Health
Classification: Uncertain significance for Breast-ovarian cancer, familial, susceptibility to, 1. Last evaluated: 2023-04-03. Review status: criteria provided, single submitter. Criteria: ACMG Guidelines, 2015. Collection method: clinical testing. Allele origin: germline. Inheritance: Autosomal dominant inheritance. Observed: 1 variant allele, 1 heterozygote.
Comment: This missense variant replaces glutamic acid with lysine at codon 1413 of the BRCA1 protein. Computational prediction suggests that this variant may not impact protein structure and function (internally defined REVEL score threshold <= 0.5, PMID: 27666373). To our knowledge, functional studies have not been reported for this variant. This variant has been detected in a breast cancer case-control meta-analysis in 0/60466 cases and 1/53461 unaffected individuals (PMID: 33471991; Leiden Open Variation Database DB-ID BRCA1_006258). This variant has not been identified in the general population by the Genome Aggregation Database (gnomAD). The available evidence is insufficient to determine the role of this variant in disease conclusively. Therefore, this variant is classified as a Variant of Uncertain Significance.

This study involves interpretation of variants in research participants for the purpose of population health screening. Participant phenotype was not available at the time of variant classification. Additional details can be found in publication PMID: 35346344, PMCID: PMC8962531

Literature cited by the submitters: PubMed 33471991 (cited by Color Diagnostics, LLC DBA Color Health and All of Us Research Program, National Institutes of Health).

NM_007294.4(BRCA1):c.4237G>A (p.Glu1413Lys)

Gene: BRCA1 (BRCA1 DNA repair associated; minus strand). Cytogenetic location: 17q21.31.
Variant type: single nucleotide variant.
Coding change: c.4237G>A on transcript NM_007294.4 (MANE Select); coding-DNA position 4237, G replaced by A.
Protein change: p.Glu1413Lys; replaces glutamic acid 1413 with lysine.
Molecular consequence: missense variant. On other transcripts: non-coding transcript variant (1).
Genome position (GRCh38, 1-based): chr17:43,082,524, C>T on the plus strand (G>A on the coding strand, the complement: BRCA1 is on the minus strand). VCF-style: chr17-43082524-C-T. GRCh37 (hg19) VCF-style: chr17-41234541-C-T.
Other names: c.4024G>A, p.Glu1342Lys (NM_001407571.1, NM_001407853.1, NM_001407894.1 and 12 more transcripts); c.4237G>A, p.Glu1413Lys (NM_001407581.1, NM_001407582.1, NM_001407583.1 and 23 more transcripts); c.4234G>A, p.Glu1412Lys (NM_001407587.1, NM_001407590.1, NM_001407591.1 and 21 more transcripts); c.4231G>A, p.Glu1411Lys (NM_001407627.1, NM_001407628.1, NM_001407644.1 and 5 more transcripts); c.4225G>A, p.Glu1409Lys (NM_001407646.1, NM_001407647.1); c.4114G>A, p.Glu1372Lys (NM_001407648.1, NM_001407664.1, NM_001407665.1 and 13 more transcripts); c.4156G>A, p.Glu1386Lys (NM_001407661.1, NM_001407662.1, NM_001407663.1 and 1 more transcripts); c.4111G>A, p.Glu1371Lys (NM_001407681.1, NM_001407682.1, NM_001407683.1 and 12 more transcripts); and 51 more; short protein forms E1413K, E1366K, E310K, E1300K, E1301K, E1302K, E1346K, E1409K.
Identifiers: ClinVar variation 824708 (VCV000824708.18), dbSNP rs397509153, ClinGen allele CA10593247.